The following is an entry in ClinVar:

NM_001854.4(COL11A1):c.2522G>T (p.Gly841Val)

Gene: COL11A1 (collagen type XI alpha 1 chain; minus strand). Cytogenetic location: 1p21.1.
Variant type: single nucleotide variant.
Coding change: c.2522G>T on transcript NM_001854.4 (MANE Select); coding-DNA position 2522, G replaced by T.
Protein change: p.Gly841Val; replaces glycine 841 with valine.
Molecular consequence: missense variant. On other transcripts: non-coding transcript variant (1).
Genome position (GRCh38, 1-based): chr1:102,984,172, C>A on the plus strand (G>T on the coding strand, the complement: COL11A1 is on the minus strand). VCF-style: chr1-102984172-C-A. GRCh37 (hg19) VCF-style: chr1-103449728-C-A.
Other names: c.2405G>T, p.Gly802Val (NM_001190709.2); c.2558G>T, p.Gly853Val (NM_080629.3); c.2174G>T, p.Gly725Val (NM_080630.4); short protein forms G725V, G802V, G841V, G853V.
Identifiers: ClinVar variation 1189120 (VCV001189120.4), dbSNP rs1663311706, ClinGen allele CA341165057.

ClinVar aggregate classification (germline): Likely pathogenic. Review status: criteria provided, multiple submitters, no conflicts (2 of 4 stars). 2 submissions from 2 submitters: Likely pathogenic (2). Last evaluated 2024-03-15.

Conditions:
COL11A1-related disorder. Also called: COL11A1-related condition; COL11A1-related disorders.

Allele frequency attached by ClinVar (database versions not stated): gnomAD exomes below 0.00001; TOPMed below 0.00001.
gnomAD v4.1: 1 of 1,599,998 alleles (0.000063%); highest among the groups gnomAD compares: South Asian, 0.0011%; no homozygotes.

Submissions (2):

GeneDx
Classification: Likely pathogenic. Last evaluated: 2024-03-15. Review status: criteria provided, single submitter. Criteria: GeneDx Variant Classification Process June 2021. Collection method: clinical testing. Allele origin: germline. Affected: yes.
Comment: Not observed in large population cohorts (gnomAD); In silico analysis supports that this missense variant has a deleterious effect on protein structure/function; Has not been previously published as pathogenic or benign to our knowledge; This variant is associated with the following publications: (PMID: 25240749)

PreventionGenetics, part of Exact Sciences
Classification: Likely pathogenic for COL11A1-related condition. Last evaluated: 2023-08-04. Review status: criteria provided, single submitter. Criteria: ACMG Guidelines, 2015. Collection method: clinical testing. Allele origin: germline.
Comment: The COL11A1 c.2522G>T variant is predicted to result in the amino acid substitution p.Gly841Val. To our knowledge, this variant has not been reported in the literature or in a large population database, indicating this variant is rare. This variant affects a Gly residue of the conserved Gly-Xaa-Yaa triple helical domain (amino acid residues 529-1542), where substitutions of glycine are usually pathogenic (Richards et al. 2010. PubMed ID: 20513134). This variant is interpreted as likely pathogenic.